The following is an entry in ClinVar:

NM_002095.6(GTF2E2):c.695A>C (p.Lys232Thr)

Gene: GTF2E2 (general transcription factor IIE subunit 2; minus strand). Cytogenetic location: 8p12.
Variant type: single nucleotide variant.
Coding change: c.695A>C on transcript NM_002095.6 (MANE Select); coding-DNA position 695, A replaced by C.
Protein change: p.Lys232Thr; replaces lysine 232 with threonine.
Molecular consequence: missense variant.
Genome position (GRCh38, 1-based): chr8:30,580,345, T>G on the plus strand (A>C on the coding strand, the complement: GTF2E2 is on the minus strand). VCF-style: chr8-30580345-T-G. GRCh37 (hg19) VCF-style: chr8-30437862-T-G.
Other names: short protein forms K232T.
Identifiers: ClinVar variation 2044885 (VCV002044885.4), dbSNP rs2487749717, ClinGen allele CA370875083.
Genomic context (GRCh38, chr8:30,580,345, plus strand): 5'-TTCTTTGGTCCAGATTCCTGCATGGAAGAAATACCCTGTCGCTTCAGATATTCTTCAATT[T>G]TCTCCTCGTCCATGGAATCTACAGTGACACTCCTCCACAGTTTCTGAAATTCTGTATCAA-3'
Protein context (NP_002086.1, residues 222-242): SVTVDSMDEE[Lys232Thr]IEEYLKRQGI

ClinVar aggregate classification (germline): Uncertain significance (1 of 4 stars; one submission).

Allele frequency attached by ClinVar (database versions not stated): gnomAD exomes below 0.00001.
gnomAD v4.1: 1 of 1,611,694 alleles (0.000062%); highest among the groups gnomAD compares: African/African-American, 0.0013%; no homozygotes.

Submission:

Labcorp Genetics (formerly Invitae), Labcorp
Classification: Uncertain significance. Last evaluated: 2022-09-27. Review status: criteria provided, single submitter. Criteria: Invitae Variant Classification Sherloc (09022015). Collection method: clinical testing. Allele origin: germline.
Comment: This sequence change replaces lysine, which is basic and polar, with threonine, which is neutral and polar, at codon 232 of the GTF2E2 protein (p.Lys232Thr). This variant is not present in population databases (gnomAD no frequency). This variant has not been reported in the literature in individuals affected with GTF2E2-related conditions. Advanced modeling of protein sequence and biophysical properties (such as structural, functional, and spatial information, amino acid conservation, physicochemical variation, residue mobility, and thermodynamic stability) performed at Invitae indicates that this missense variant is expected to disrupt GTF2E2 protein function. In summary, the available evidence is currently insufficient to determine the role of this variant in disease. Therefore, it has been classified as a Variant of Uncertain Significance.